The following is an entry in ClinVar:

ClinVar aggregate classification (germline): Pathogenic (1 of 4 stars; one submission).

gnomAD v4.1: 1 of 1,550,426 alleles (0.000064%); highest among the groups gnomAD compares: Non-Finnish European, 0.000087%; no homozygotes.

Submission:

Labcorp Genetics (formerly Invitae), Labcorp
Classification: Pathogenic. Last evaluated: 2025-11-08. Review status: criteria provided, single submitter. Criteria: Invitae Variant Classification Sherloc (09022015). Collection method: clinical testing. Allele origin: germline.
Comment: This sequence change creates a premature translational stop signal (p.Gly1493*) in the ZNF469 gene. While this is not anticipated to result in nonsense mediated decay, it is expected to disrupt the last 2433 amino acid(s) of the ZNF469 protein. This variant is not present in population databases (gnomAD no frequency). This variant has not been reported in the literature in individuals affected with ZNF469-related conditions. This variant disrupts a region of the ZNF469 protein in which other variant(s) (p.Pro3556Glnfs*136) have been determined to be pathogenic (PMID: 32671420). This suggests that this is a clinically significant region of the protein, and that variants that disrupt it are likely to be disease-causing. For these reasons, this variant has been classified as Pathogenic.

Literature cited by the submitters: PubMed 32671420.

NM_001367624.2(ZNF469):c.4561G>T (p.Gly1521Ter)

Gene: ZNF469 (zinc finger protein 469; plus strand). Cytogenetic location: 16q24.2.
Variant type: single nucleotide variant.
Coding change: c.4561G>T on transcript NM_001367624.2 (MANE Select); coding-DNA position 4561, G replaced by T.
Protein change: p.Gly1521Ter; replaces glycine 1521 with a stop codon.
Molecular consequence: nonsense.
Genome position (GRCh38, 1-based): chr16:88,432,031, G>T. VCF-style: chr16-88432031-G-T. GRCh37 (hg19) VCF-style: chr16-88498439-G-T.
Other names: short protein forms G1521*.
Identifiers: ClinVar variation 4730386 (VCV004730386.1).